The following is an entry in ClinVar:

ClinVar aggregate classification (germline): Uncertain significance (1 of 4 stars; one submission).

Submission:

Dasa
Classification: Uncertain significance. Last evaluated: 2024-12-30. Review status: criteria provided, single submitter. Criteria: DASA Assertion Criteria. Collection method: clinical testing. Allele origin: germline.
Comment: NM_005219.5(DIAPH1):c.3605T>C (p.Leu1202Pro) is a missense variant that results in the substitution of leucine with proline. This variant is absent from population databases. Computational prediction algorithms are consistent with a deleterious effect. The currently available literature and clinical evidence are not sufficient to establish a definitive association between this variant and the reported condition. Therefore, this variant is classified as a variant of uncertain significance.

NM_005219.5(DIAPH1):c.3605T>C (p.Leu1202Pro)

Gene: DIAPH1 (diaphanous related formin 1; minus strand). Cytogenetic location: 5q31.3.
Variant type: single nucleotide variant.
Coding change: c.3605T>C on transcript NM_005219.5 (MANE Select); coding-DNA position 3605, T replaced by C.
Protein change: p.Leu1202Pro; replaces leucine 1202 with proline.
Molecular consequence: missense variant.
Genome position (GRCh38, 1-based): chr5:141,524,199, A>G on the plus strand (T>C on the coding strand, the complement: DIAPH1 is on the minus strand). VCF-style: chr5-141524199-A-G. GRCh37 (hg19) VCF-style: chr5-140903766-A-G.
Other names: c.3578T>C, p.Leu1193Pro (NM_001079812.3); c.3605T>C, p.Leu1202Pro (NM_001314007.2); short protein forms L1193P, L1202P.
Identifiers: ClinVar variation 4884914 (VCV004884914.2).
Genomic context (GRCh38, chr5:141,524,199, plus strand): 5'-TTACCTTGACGGGGCCCTCTCTTCCGTCGGAATGCTGCCCCTGACTGCAGGGCTTCTAGA[A>G]GACTGTCCATCACACCTGTCTCATCGCCCTCTGTTATAAAGAACAAGATGGAGATGTGAA-3'
Protein context (NP_005210.3, residues 1192-1212): EGDETGVMDS[Leu1202Pro]LEALQSGAAF